The following is an entry in ClinVar:

NM_198098.4(AQP1):c.*282C>T

Gene: AQP1 (aquaporin 1 (Colton blood group); plus strand). Cytogenetic location: 7p14.3.
Variant type: single nucleotide variant.
Coding change: c.*282C>T on transcript NM_198098.4 (MANE Select); 282 bases downstream of the stop codon, C replaced by T.
Molecular consequence: 3 prime UTR variant. On other transcripts: missense variant (1).
Genome position (GRCh38, 1-based): chr7:30,923,911, C>T. VCF-style: chr7-30923911-C-T. GRCh37 (hg19) VCF-style: chr7-30963526-C-T.
Other names: c.874C>T, p.Arg292Cys (NM_001329872.2); short protein forms R292C.
Identifiers: ClinVar variation 3042247 (VCV003042247.2), dbSNP rs78003203, ClinGen allele CA4208321.

ClinVar aggregate classification (germline): Likely benign (0 of 4 stars; one submission).

Conditions:
AQP1-related disorder. Also called: AQP1-related condition.

Allele frequency attached by ClinVar (database versions not stated): ESP Exome Variant Server 0.00017; gnomAD 0.00019; TOPMed 0.00028; ExAC 0.00040; 1000 Genomes Project 30x 0.00062; 1000 Genomes Project 0.00080.
gnomAD v4.1: 241 of 1,456,846 alleles (0.017%); highest among the groups gnomAD compares: East Asian, 0.37%; no homozygotes.

Submission:

PreventionGenetics, part of Exact Sciences
Classification: Likely benign for AQP1-related condition. Last evaluated: 2023-01-10. Review status: no assertion criteria provided. Collection method: clinical testing. Allele origin: germline.
Comment: This variant is classified as likely benign based on ACMG/AMP sequence variant interpretation guidelines (Richards et al. 2015 PMID: 25741868, with internal and published modifications).